The following is an entry in ClinVar:

NM_001379286.1(ZNF423):c.3464C>T (p.Thr1155Met)

Gene: ZNF423 (zinc finger protein 423; minus strand). Cytogenetic location: 16q12.1.
Variant type: single nucleotide variant.
Coding change: c.3464C>T on transcript NM_001379286.1 (MANE Select); coding-DNA position 3464, C replaced by T.
Protein change: p.Thr1155Met; replaces threonine 1155 with methionine.
Molecular consequence: missense variant.
Genome position (GRCh38, 1-based): chr16:49,635,712, G>A on the plus strand (C>T on the coding strand, the complement: ZNF423 is on the minus strand). VCF-style: chr16-49635712-G-A. GRCh37 (hg19) VCF-style: chr16-49669623-G-A.
Other names: c.3260C>T, p.Thr1087Met (NM_001271620.2); c.3089C>T, p.Thr1030Met (NM_001330533.2); c.3440C>T, p.Thr1147Met (NM_015069.5); short protein forms T1087M, T1155M, T1030M, T1147M.
Identifiers: ClinVar variation 3687419 (VCV003687419.2).

ClinVar aggregate classification (germline): Uncertain significance (1 of 4 stars; one submission).

Conditions:
Nephronophthisis 14 (NPHP14). Identifiers: Orphanet 2318, MedGen C3539071, MONDO:0013916, OMIM 614844.

gnomAD v4.1: 6 of 1,605,964 alleles (0.00037%); highest among the groups gnomAD compares: African/African-American, 0.0027%; no homozygotes.

Submission:

Labcorp Genetics (formerly Invitae), Labcorp
Classification: Uncertain significance for Nephronophthisis 14. Last evaluated: 2024-09-06. Review status: criteria provided, single submitter. Criteria: Invitae Variant Classification Sherloc (09022015). Collection method: clinical testing. Allele origin: germline.
Comment: This sequence change replaces threonine, which is neutral and polar, with methionine, which is neutral and non-polar, at codon 1147 of the ZNF423 protein (p.Thr1147Met). The frequency data for this variant in the population databases is considered unreliable, as metrics indicate poor data quality at this position in the gnomAD database. This variant has not been reported in the literature in individuals affected with ZNF423-related conditions. Invitae Evidence Modeling of protein sequence and biophysical properties (such as structural, functional, and spatial information, amino acid conservation, physicochemical variation, residue mobility, and thermodynamic stability) indicates that this missense variant is not expected to disrupt ZNF423 protein function with a negative predictive value of 80%. In summary, the available evidence is currently insufficient to determine the role of this variant in disease. Therefore, it has been classified as a Variant of Uncertain Significance.